The following is an entry in ClinVar:

ClinVar aggregate classification (germline): Benign/Likely benign. Review status: criteria provided, multiple submitters, no conflicts (2 of 4 stars). 3 submissions from 3 submitters: Benign (2); Likely benign (1). Last evaluated 2026-03-01.

Allele frequency attached by ClinVar (database versions not stated): gnomAD exomes 0.00025; 1000 Genomes Project 0.00060; 1000 Genomes Project 30x 0.00062.

Submissions (3):

CeGaT Center for Human Genetics Tuebingen
Classification: Likely benign. Last evaluated: 2026-03-01. Review status: criteria provided, single submitter. Criteria: CeGaT Center For Human Genetics Tuebingen Variant Classification Criteria Version 2. Collection method: clinical testing. Allele origin: germline. Affected: yes. Observed: 1 variant allele.
Comment: ATP8A2: BP4, BP7

Labcorp Genetics (formerly Invitae), Labcorp
Classification: Benign. Last evaluated: 2024-12-02. Review status: criteria provided, single submitter. Criteria: Invitae Variant Classification Sherloc (09022015). Collection method: clinical testing. Allele origin: germline.

Breakthrough Genomics
Classification: Benign. Review status: criteria provided, single submitter. Criteria: ACMG Guidelines, 2015. Collection method: not provided. Allele origin: germline. Inheritance: Autosomal recessive inheritance. Affected: yes.

NM_016529.6(ATP8A2):c.996G>A (p.Ser332=)

Gene: ATP8A2 (ATPase phospholipid transporting 8A2). Cytogenetic location: 13q12.13.
Variant type: single nucleotide variant.
Coding change: c.996G>A on transcript NM_016529.6 (MANE Select); coding-DNA position 996, G replaced by A.
Protein change: p.Ser332=; no amino-acid change (serine 332 retained).
Molecular consequence: synonymous variant.
Genome position (GRCh38, 1-based): chr13:25,551,442, G>A. VCF-style: chr13-25551442-G-A. GRCh37 (hg19) VCF-style: chr13-26125580-G-A.
Other names: c.876G>A, p.Ser292= (NM_001313741.1).
Identifiers: ClinVar variation 1618499 (VCV001618499.13), dbSNP rs183889134, ClinGen allele CA6922762.